The following is an entry in ClinVar:

NM_000169.3(GLA):c.1119dup (p.Lys374Ter)

Genes: GLA (galactosidase alpha; minus strand), RPL36A-HNRNPH2 (RPL36A-HNRNPH2 readthrough; plus strand). Cytogenetic location: Xq22.1.
Variant type: Duplication.
Coding change: c.1119dup on transcript NM_000169.3 (MANE Select); coding-DNA position 1119, one base duplicated (T; older notation c.1119dupT).
Protein change: p.Lys374Ter; replaces lysine 374 with a stop codon.
Molecular consequence: nonsense. On other transcripts: non-coding transcript variant (3), intron variant (2).
Genome position (GRCh38, 1-based): chrX:101,397,980, A duplicated on the plus strand (T on the coding strand, the reverse complement: GLA is on the minus strand). VCF-style (leftmost placement, unchanged base first): chrX-101397979-T-TA. GRCh37 (hg19) VCF-style: chrX-100652967-T-TA.
Other names: c.1242dup, p.Lys415Ter (NM_001406747.1); c.300+2523dup (NM_001199973.2); c.177+6158dup (NM_001199974.2); short protein forms K374*, K415*.
Identifiers: ClinVar variation 4087196 (VCV004087196.2).
Genomic context (GRCh38, chrX:101,397,979, plus strand): 5'-GCTTCCTTTTCACAGGGAGGAGCTGTGTGATGAAGCAGGCAGGATTACAGGCCACTCCTT[T>TA]ACCCAGGGAAGCAACTGCGATGGTATAAGAGCGAGGTCCACCAATCTCCTGCCGGTTTAT-3'

ClinVar aggregate classification (germline): Pathogenic (1 of 4 stars; one submission).

Conditions:
Fabry disease. Also called: ALPHA-GALACTOSIDASE A DEFICIENCY; ANDERSON-FABRY DISEASE; CERAMIDE TRIHEXOSIDASE DEFICIENCY; GLA DEFICIENCY; HEREDITARY DYSTOPIC LIPIDOSIS; Angiokeratoma corporis diffusum. Identifiers: Orphanet 324, MedGen C0002986, MONDO:0010526, OMIM 301500, HP:0001071. Disease mechanism: Fabry disease is due to inactivating mutations in the X-linked GLA gene resulting in deficiency of the enzyme Alpha Galactosidase-A., loss of function.

Submission:

Genomenon, Inc
Classification: Pathogenic for Fabry disease. Last evaluated: 2026-09-08. Review status: criteria provided, single submitter. Criteria: Genomenon Sequence Variant Interpretation Standards - Updated. Collection method: curation. Allele origin: germline. Affected: yes.
Comment: GLA p.Lys374Ter (c.1119dup) is a nonsense variant that introduces a premature stop codon at amino acid position 374 and is predicted to result in a truncated or absent protein product. This variant has been observed in at least one proband with clinical features consistent with Fabry disease (PMID:11179018). It is absent or not present at a significant frequency in gnomAD. In conclusion, we classify GLA p.Lys374Ter (c.1119dup) as a pathogenic variant.

Literature cited by the submitters: PubMed 11179018.